The following is an entry in ClinVar:

NM_177438.3(DICER1):c.3878A>C (p.Asn1293Thr)

Gene: DICER1 (dicer 1, ribonuclease III; minus strand). Cytogenetic location: 14q32.13.
Variant type: single nucleotide variant.
Coding change: c.3878A>C on transcript NM_177438.3 (MANE Select); coding-DNA position 3878, A replaced by C.
Protein change: p.Asn1293Thr; replaces asparagine 1293 with threonine.
Molecular consequence: missense variant.
Genome position (GRCh38, 1-based): chr14:95,103,518, T>G on the plus strand (A>C on the coding strand, the complement: DICER1 is on the minus strand). VCF-style: chr14-95103518-T-G. GRCh37 (hg19) VCF-style: chr14-95569855-T-G.
Other names: c.3878A>C, p.Asn1293Thr (NM_001195573.1, NM_001271282.3, NM_001291628.2 and 1 more transcripts); short protein forms N1293T.
Identifiers: ClinVar variation 824327 (VCV000824327.14), dbSNP rs772855134, ClinGen allele CA390873256.
Genomic context (GRCh38, chr14:95,103,518, plus strand): 5'-TCCAGGTTAAATCCATCACTAGCGTTTGACAGAGTCAAAGCCTGAAGAATAAGTCCAGGA[T>G]TGGGGCCAAGAGTCCTTGAGGAGTACCCAATAGAAGGGCTCTGCTCAGAATCCATCCTGC-3'
Protein context (NP_803187.1, residues 1283-1303): IGYSSRTLGP[Asn1293Thr]PGLILQALTL

ClinVar aggregate classification (germline): Uncertain significance. Review status: criteria provided, multiple submitters, no conflicts (2 of 4 stars). 2 submissions from 2 submitters: Uncertain significance (2). Last evaluated 2025-11-09.

Conditions:
Hereditary cancer-predisposing syndrome. Also called: Neoplastic Syndromes, Hereditary; Hereditary Cancer Syndrome; Hereditary neoplastic syndrome; Tumor predisposition. Identifiers: Orphanet 140162, MedGen C0027672, MeSH D009386, MONDO:0015356.
DICER1-related tumor predisposition. Also called: DICER1-related pleuropulmonary blastoma cancer predisposition syndrome; DICER1 syndrome. Identifiers: Orphanet 284343, MedGen C3839822, MONDO:0100216.

Submissions (2):

Ambry Genetics
Classification: Uncertain significance for Hereditary cancer-predisposing syndrome. Last evaluated: 2025-11-09. Review status: criteria provided, single submitter. Criteria: Ambry Variant Classification Scheme 2023. Collection method: clinical testing. Allele origin: germline.
Comment: The p.N1293T variant (also known as c.3878A>C), located in coding exon 20 of the DICER1 gene, results from an A to C substitution at nucleotide position 3878. The asparagine at codon 1293 is replaced by threonine, an amino acid with similar properties. This amino acid position is highly conserved in available vertebrate species. In addition, the in silico prediction for this alteration is inconclusive. Since supporting evidence is limited at this time, the clinical significance of this alteration remains unclear.

Labcorp Genetics (formerly Invitae), Labcorp
Classification: Uncertain significance for DICER1-related tumor predisposition. Last evaluated: 2025-06-27. Review status: criteria provided, single submitter. Criteria: Invitae Variant Classification Sherloc (09022015). Collection method: clinical testing. Allele origin: germline.
Comment: This sequence change replaces asparagine, which is neutral and polar, with threonine, which is neutral and polar, at codon 1293 of the DICER1 protein (p.Asn1293Thr). This variant is present in population databases (no rsID available, gnomAD 0.01%). This variant has not been reported in the literature in individuals affected with DICER1-related conditions. ClinVar contains an entry for this variant (Variation ID: 824327). Invitae Evidence Modeling of protein sequence and biophysical properties (such as structural, functional, and spatial information, amino acid conservation, physicochemical variation, residue mobility, and thermodynamic stability) indicates that this missense variant is not expected to disrupt DICER1 protein function with a negative predictive value of 95%. In summary, the available evidence is currently insufficient to determine the role of this variant in disease. Therefore, it has been classified as a Variant of Uncertain Significance.